The following is an entry in ClinVar:

NM_058216.3(RAD51C):c.289C>G (p.Gln97Glu)

Gene: RAD51C (RAD51 paralog C; plus strand). Cytogenetic location: 17q22.
Variant type: single nucleotide variant.
Coding change: c.289C>G on transcript NM_058216.3 (MANE Select); coding-DNA position 289, C replaced by G.
Protein change: p.Gln97Glu; replaces glutamine 97 with glutamic acid.
Molecular consequence: missense variant. On other transcripts: non-coding transcript variant (2).
Genome position (GRCh38, 1-based): chr17:58,695,074, C>G. VCF-style: chr17-58695074-C-G. GRCh37 (hg19) VCF-style: chr17-56772435-C-G.
Other names: c.289C>G, p.Gln97Glu (NM_002876.4); short protein forms Q97E.
Identifiers: ClinVar variation 569457 (VCV000569457.13), dbSNP rs1567786232, ClinGen allele CA400340877.

ClinVar aggregate classification (germline): Conflicting classifications of pathogenicity. Review status: criteria provided, conflicting classifications (1 of 4 stars). 2 submissions from 2 submitters: Uncertain significance (1); Benign (1). Last evaluated 2025-10-24.

Conditions:
Hereditary cancer-predisposing syndrome. Also called: Hereditary neoplastic syndrome; Neoplastic Syndromes, Hereditary; Hereditary Cancer Syndrome; Tumor predisposition. Identifiers: Orphanet 140162, MedGen C0027672, MeSH D009386, MONDO:0015356.
Fanconi anemia complementation group O. Also called: RAD51C-Related Fanconi Anemia. Identifiers: Orphanet 84, MedGen C3150653, MONDO:0013248, OMIM 613390.

Submissions (2):

Ambry Genetics
Classification: Benign for Hereditary cancer-predisposing syndrome. Last evaluated: 2025-10-24. Review status: criteria provided, single submitter. Criteria: Ambry Variant Classification Scheme 2023. Collection method: clinical testing. Allele origin: germline.

Labcorp Genetics (formerly Invitae), Labcorp
Classification: Uncertain significance for Fanconi anemia complementation group O. Last evaluated: 2025-05-30. Review status: criteria provided, single submitter. Criteria: Invitae Variant Classification Sherloc (09022015). Collection method: clinical testing. Allele origin: germline.
Comment: This sequence change replaces glutamine, which is neutral and polar, with glutamic acid, which is acidic and polar, at codon 97 of the RAD51C protein (p.Gln97Glu). This variant is not present in population databases (gnomAD no frequency). This variant has not been reported in the literature in individuals affected with RAD51C-related conditions. ClinVar contains an entry for this variant (Variation ID: 569457). Invitae Evidence Modeling of protein sequence and biophysical properties (such as structural, functional, and spatial information, amino acid conservation, physicochemical variation, residue mobility, and thermodynamic stability) indicates that this missense variant is not expected to disrupt RAD51C protein function with a negative predictive value of 80%. In summary, the available evidence is currently insufficient to determine the role of this variant in disease. Therefore, it has been classified as a Variant of Uncertain Significance.